The following is an entry in ClinVar:

NM_005475.3(SH2B3):c.1115T>G (p.Val372Gly)

Gene: SH2B3 (SH2B adaptor protein 3; plus strand). Cytogenetic location: 12q24.12.
Variant type: single nucleotide variant.
Coding change: c.1115T>G on transcript NM_005475.3 (MANE Select); coding-DNA position 1115, T replaced by G.
Protein change: p.Val372Gly; replaces valine 372 with glycine.
Molecular consequence: missense variant.
Genome position (GRCh38, 1-based): chr12:111,447,423, T>G. VCF-style: chr12-111447423-T-G. GRCh37 (hg19) VCF-style: chr12-111885227-T-G.
Other names: c.509T>G, p.Val170Gly (NM_001291424.1); short protein forms V372G, V170G.
Identifiers: ClinVar variation 3953467 (VCV003953467.1).

ClinVar aggregate classification (germline): Uncertain significance (1 of 4 stars; one submission).

Conditions:
Inborn genetic diseases. Identifiers: MedGen C0950123, MeSH D030342.

gnomAD v4.1: 1 of 1,613,870 alleles (0.000062%); no homozygotes.

Submission:

Ambry Genetics
Classification: Uncertain significance for Inborn genetic diseases. Last evaluated: 2025-04-19. Review status: criteria provided, single submitter. Criteria: Ambry Variant Classification Scheme 2023. Collection method: clinical testing. Allele origin: germline.
Comment: The p.V372G variant (also known as c.1115T>G), located in coding exon 5 of the SH2B3 gene, results from a T to G substitution at nucleotide position 1115. The valine at codon 372 is replaced by glycine, an amino acid with dissimilar properties. This amino acid position is conserved. In addition, this alteration is predicted to be deleterious by in silico analysis. Based on the available evidence, the clinical significance of this variant remains unclear.